The following is an entry in ClinVar:

ClinVar aggregate classification (germline): Pathogenic (1 of 4 stars; one submission).

Submission:

Labcorp Genetics (formerly Invitae), Labcorp
Classification: Pathogenic. Last evaluated: 2023-02-20. Review status: criteria provided, single submitter. Criteria: Invitae Variant Classification Sherloc (09022015). Collection method: clinical testing. Allele origin: germline.
Comment: This variant is not present in population databases (gnomAD no frequency). This sequence change creates a premature translational stop signal (p.Val547Leufs*26) in the NFKB1 gene. It is expected to result in an absent or disrupted protein product. Loss-of-function variants in NFKB1 are known to be pathogenic (PMID: 26279205, 29477724). This variant has not been reported in the literature in individuals affected with NFKB1-related conditions. For these reasons, this variant has been classified as Pathogenic. Algorithms developed to predict the effect of sequence changes on RNA splicing suggest that this variant may disrupt the consensus splice site.

Literature cited by the submitters: PubMed 26279205; PubMed 29477724.

NC_000004.12:g.102600894GT[1]

Genes: NFKB1 (nuclear factor kappa B subunit 1; plus strand), LOC126807127 (CDK7 strongly-dependent group 2 enhancer GRCh37_chr4:103521788-103522987; plus strand). Cytogenetic location: 4q24.
Variant type: Microsatellite.
Genome position: GRCh38 VCF-style: chr4-102600893-AGT-A. GRCh37 (hg19) VCF-style: chr4-103522050-AGT-A.
Identifiers: ClinVar variation 2839176 (VCV002839176.3), dbSNP rs2476517697, ClinGen allele CA2739270195.